The following is an entry in ClinVar:

ClinVar aggregate classification (germline): Uncertain significance (1 of 4 stars; one submission).

Allele frequency attached by ClinVar (database versions not stated): gnomAD exomes below 0.00001; ExAC 0.00001.
gnomAD v4.1: 2 of 1,614,170 alleles (0.00012%); highest among the groups gnomAD compares: Non-Finnish European, 0.00017%; no homozygotes.

Submission:

Labcorp Genetics (formerly Invitae), Labcorp
Classification: Uncertain significance. Last evaluated: 2024-04-29. Review status: criteria provided, single submitter. Criteria: Invitae Variant Classification Sherloc (09022015). Collection method: clinical testing. Allele origin: germline.
Comment: This sequence change replaces glutamic acid, which is acidic and polar, with lysine, which is basic and polar, at codon 793 of the FLNB protein (p.Glu793Lys). This variant is present in population databases (rs775654500, gnomAD 0.002%). This variant has not been reported in the literature in individuals affected with FLNB-related conditions. Advanced modeling of protein sequence and biophysical properties (such as structural, functional, and spatial information, amino acid conservation, physicochemical variation, residue mobility, and thermodynamic stability) performed at Invitae indicates that this missense variant is not expected to disrupt FLNB protein function with a negative predictive value of 95%. In summary, the available evidence is currently insufficient to determine the role of this variant in disease. Therefore, it has been classified as a Variant of Uncertain Significance.

NM_001457.4(FLNB):c.2377G>A (p.Glu793Lys)

Gene: FLNB (filamin B; plus strand). Cytogenetic location: 3p14.3.
Variant type: single nucleotide variant.
Coding change: c.2377G>A on transcript NM_001457.4 (MANE Select); coding-DNA position 2377, G replaced by A.
Protein change: p.Glu793Lys; replaces glutamic acid 793 with lysine.
Molecular consequence: missense variant.
Genome position (GRCh38, 1-based): chr3:58,110,063, G>A. VCF-style: chr3-58110063-G-A. GRCh37 (hg19) VCF-style: chr3-58095790-G-A.
Other names: c.2377G>A, p.Glu793Lys (NM_001164317.2, NM_001164318.2, NM_001164319.2); short protein forms E793K.
Identifiers: ClinVar variation 2778833 (VCV002778833.3), dbSNP rs775654500, ClinGen allele CA2468108.